The following is an entry in ClinVar:

NM_032043.3(BRIP1):c.734A>G (p.Lys245Arg)

Gene: BRIP1 (BRCA1 interacting DNA helicase 1; minus strand). Cytogenetic location: 17q23.2.
Variant type: single nucleotide variant.
Coding change: c.734A>G on transcript NM_032043.3 (MANE Select); coding-DNA position 734, A replaced by G.
Protein change: p.Lys245Arg; replaces lysine 245 with arginine.
Molecular consequence: missense variant.
Genome position (GRCh38, 1-based): chr17:61,808,651, T>C on the plus strand (A>G on the coding strand, the complement: BRIP1 is on the minus strand). VCF-style: chr17-61808651-T-C. GRCh37 (hg19) VCF-style: chr17-59886012-T-C.
Other names: short protein forms K245R.
Identifiers: ClinVar variation 422156 (VCV000422156.21), dbSNP rs1064795594, ClinGen allele CA16620542.

ClinVar aggregate classification (germline): Uncertain significance. Review status: criteria provided, multiple submitters, no conflicts (2 of 4 stars). 5 submissions from 5 submitters: Uncertain significance (5). Last evaluated 2025-04-07.

Conditions:
Hereditary cancer-predisposing syndrome. Also called: Hereditary neoplastic syndrome; Hereditary Cancer Syndrome; Neoplastic Syndromes, Hereditary; Tumor predisposition. Identifiers: Orphanet 140162, MedGen C0027672, MeSH D009386, MONDO:0015356.
Fanconi anemia complementation group J. Also called: BRIP1-Related Fanconi Anemia. Identifiers: Orphanet 84, MedGen C1836860, MONDO:0012187, OMIM 609054.
Familial cancer of breast. Also called: hereditary breast carcinoma; Hereditary breast cancer; BREAST CANCER, FAMILIAL. Identifiers: Orphanet 227535, MedGen C0346153, MONDO:0016419, OMIM 114480. Disease mechanism: loss of function.

Allele frequency attached by ClinVar (database versions not stated): gnomAD exomes 0.00001.
gnomAD v4.1: 7 of 1,614,032 alleles (0.00043%); highest among the groups gnomAD compares: Non-Finnish European, 0.00051%; no homozygotes.

Submissions (5):

Labcorp Genetics (formerly Invitae), Labcorp
Classification: Uncertain significance for Familial cancer of breast; Fanconi anemia complementation group J. Last evaluated: 2025-04-07. Review status: criteria provided, single submitter. Criteria: Invitae Variant Classification Sherloc (09022015). Collection method: clinical testing. Allele origin: germline.
Comment: This sequence change replaces lysine, which is basic and polar, with arginine, which is basic and polar, at codon 245 of the BRIP1 protein (p.Lys245Arg). This variant is not present in population databases (gnomAD no frequency). This variant has not been reported in the literature in individuals affected with BRIP1-related conditions. ClinVar contains an entry for this variant (Variation ID: 422156). Invitae Evidence Modeling of protein sequence and biophysical properties (such as structural, functional, and spatial information, amino acid conservation, physicochemical variation, residue mobility, and thermodynamic stability) indicates that this missense variant is not expected to disrupt BRIP1 protein function with a negative predictive value of 95%. In summary, the available evidence is currently insufficient to determine the role of this variant in disease. Therefore, it has been classified as a Variant of Uncertain Significance.

Baylor Genetics
Classification: Uncertain significance for Familial cancer of breast. Last evaluated: 2024-03-29. Review status: criteria provided, single submitter. Criteria: ACMG Guidelines, 2015. Collection method: clinical testing. Allele origin: unknown.

Color Diagnostics, LLC DBA Color Health
Classification: Uncertain significance for Hereditary cancer-predisposing syndrome. Last evaluated: 2023-12-05. Review status: criteria provided, single submitter. Criteria: ACMG Guidelines, 2015. Collection method: clinical testing. Allele origin: germline.
Comment: This missense variant replaces lysine with arginine at codon 245 of the BRIP1 protein. Computational prediction suggests that this variant may not impact protein structure and function (internally defined REVEL score threshold <= 0.5, PMID: 27666373). To our knowledge, functional studies have not been reported for this variant. This variant has not been reported in individuals affected with BRIP1-related disorders in the literature. This variant has not been identified in the general population by the Genome Aggregation Database (gnomAD). The available evidence is insufficient to determine the role of this variant in disease conclusively. Therefore, this variant is classified as a Variant of Uncertain Significance.

Ambry Genetics
Classification: Uncertain significance for Hereditary cancer-predisposing syndrome. Last evaluated: 2023-11-29. Review status: criteria provided, single submitter. Criteria: Ambry Variant Classification Scheme 2023. Collection method: clinical testing. Allele origin: germline.
Comment: The p.K245R variant (also known as c.734A>G), located in coding exon 6 of the BRIP1 gene, results from an A to G substitution at nucleotide position 734. The lysine at codon 245 is replaced by arginine, an amino acid with highly similar properties. This amino acid position is highly conserved in available vertebrate species. In addition, the in silico prediction for this alteration is inconclusive. Since supporting evidence is limited at this time, the clinical significance of this alteration remains unclear.

GeneDx
Classification: Uncertain significance. Last evaluated: 2016-09-01. Review status: criteria provided, single submitter. Criteria: GeneDx Variant Classification (06012015). Collection method: clinical testing. Allele origin: germline. Affected: yes.
Comment: This variant is denoted BRIP1 c.734A>G at the cDNA level, p.Lys245Arg (K245R) at the protein level, and results in the change of a Lysine to an Arginine (AAA>AGA). This variant has not, to our knowledge, been published in the literature as pathogenic or benign. BRIP1 Lys245Arg was not observed in approximately 6,500 individuals of European and African American ancestry in the NHLBI Exome Sequencing Project, suggesting it is not a common benign variant in these populations. Since Lysine and Arginine share similar properties, this is considered a conservative amino acid substitution. BRIP1 Lys245Arg occurs at a position that is conserved across species and is located in the Helicase ATP-binding domain (Cantor 2011, UniProt). In silico analyses are inconsistent regarding the effect this variant may have on protein structure and function. Based on currently available evidence, it is unclear whether BRIP1 Lys245Arg is a pathogenic or benign variant. We consider it to be a variant of uncertain significance.